The following is an entry in ClinVar:

ClinVar aggregate classification (germline): Conflicting classifications of pathogenicity. Review status: criteria provided, conflicting classifications (1 of 4 stars). 4 submissions from 4 submitters: Uncertain significance (1); Benign (2); Likely benign (1). Last evaluated 2026-01-14.

Conditions:
Xanthinuria type II. Also called: Xanthine dehydrogenase and aldehyde oxidase combined deficiency of; XDH and AOX dual deficiency. Identifiers: Orphanet 3467, Orphanet 93602, MedGen C1863688, MONDO:0011346, OMIM 603592.
Hereditary xanthinuria type 1 (XAN1). Identifiers: Orphanet 3467, Orphanet 93601, MedGen C0268118, MONDO:0010209, OMIM 278300.
XDH-related disorder. Also called: XDH-related condition.

Allele frequency attached by ClinVar (database versions not stated): ESP Exome Variant Server 0.00331; TOPMed 0.00350; 1000 Genomes Project 0.00419; 1000 Genomes Project 30x 0.00437.
gnomAD v4.1: 918 of 1,613,876 alleles (0.057%); highest among the groups gnomAD compares: African/African-American, 1%; 2 homozygotes.

Submissions (4):

Labcorp Genetics (formerly Invitae), Labcorp
Classification: Benign for Xanthinuria type II. Last evaluated: 2026-01-14. Review status: criteria provided, single submitter. Criteria: Invitae Variant Classification Sherloc (09022015). Collection method: clinical testing. Allele origin: germline.

Mayo Clinic Laboratories, Mayo Clinic
Classification: Benign. Last evaluated: 2025-08-06. Review status: criteria provided, single submitter. Criteria: ACMG Guidelines, 2015. Collection method: clinical testing. Allele origin: germline. Observed: 1 variant allele.
Comment: BA1, BP4_moderate

PreventionGenetics, part of Exact Sciences
Classification: Likely benign for XDH-related condition. Last evaluated: 2025-06-20. Review status: criteria provided, single submitter. Criteria: ACMG Guidelines, 2015. Collection method: clinical testing. Allele origin: germline.
Comment: This variant is classified as likely benign based on ACMG/AMP sequence variant interpretation guidelines (Richards et al. 2015 PMID: 25741868, with internal and published modifications).

Illumina Laboratory Services, Illumina
Classification: Uncertain significance for Hereditary xanthinuria type 1. Last evaluated: 2017-04-28. Review status: criteria provided, single submitter. Criteria: ICSL Variant Classification Criteria 13 December 2019. Collection method: clinical testing. Allele origin: germline.
Comment: This variant was observed as part of a predisposition screen in an ostensibly healthy population. A literature search was performed for the gene, cDNA change, and amino acid change (where applicable). Publications were found based on this search. However, the evidence from the literature, in combination with allele frequency data from public databases where available, was not sufficient to rule this variant in or out of causing disease. Therefore, this variant is classified as a variant of unknown significance.

Literature cited by the submitters: PubMed 18300946 (cited by Mayo Clinic Laboratories, Mayo Clinic and Illumina Laboratory Services, Illumina); PubMed 23203137 (cited by Mayo Clinic Laboratories, Mayo Clinic); PubMed 34829959 (cited by Mayo Clinic Laboratories, Mayo Clinic).

NM_000379.4(XDH):c.1663C>T (p.Pro555Ser)

Gene: XDH (xanthine dehydrogenase; minus strand). Cytogenetic location: 2p23.1.
Variant type: single nucleotide variant.
Coding change: c.1663C>T on transcript NM_000379.4 (MANE Select); coding-DNA position 1663, C replaced by T.
Protein change: p.Pro555Ser; replaces proline 555 with serine.
Molecular consequence: missense variant.
Genome position (GRCh38, 1-based): chr2:31,373,896, G>A on the plus strand (C>T on the coding strand, the complement: XDH is on the minus strand). VCF-style: chr2-31373896-G-A. GRCh37 (hg19) VCF-style: chr2-31596762-G-A.
Other names: p.Pro555Ser; short protein forms P555S.
Identifiers: ClinVar variation 788393 (VCV000788393.15), dbSNP rs45577338, ClinGen allele CA1599147.
Genomic context (GRCh38, chr2:31,373,896, plus strand): 5'-AGTCCCCTGATATTAGCCATACACTGACCGTACTCACTTGGAAGAGCTGGACATCGGCTG[G>A]GGGGTCTTTCTGAAACAGTAAAGTTGCACTGGCGAAAGTGGGGTCCAGTTTACCACACTT-3'
Protein context (NP_000370.2, residues 545-565): SATLLFQKDP[Pro555Ser]ADVQLFQEVP